The following is an entry in ClinVar:

NM_001903.5(CTNNA1):c.2540A>G (p.Gln847Arg)

Gene: CTNNA1 (catenin alpha 1; plus strand). Cytogenetic location: 5q31.2.
Variant type: single nucleotide variant.
Coding change: c.2540A>G on transcript NM_001903.5 (MANE Select); coding-DNA position 2540, A replaced by G.
Protein change: p.Gln847Arg; replaces glutamine 847 with arginine.
Molecular consequence: missense variant. On other transcripts: 3 prime UTR variant (5).
Genome position (GRCh38, 1-based): chr5:138,933,908, A>G. VCF-style: chr5-138933908-A-G. GRCh37 (hg19) VCF-style: chr5-138269597-A-G.
Other names: c.*85A>G (NM_001290307.3, NM_001324002.1, NM_001324003.1 and 2 more transcripts); c.2231A>G, p.Gln744Arg (NM_001290309.3); c.2171A>G, p.Gln724Arg (NM_001290310.3); c.1430A>G, p.Gln477Arg (NM_001290312.1, NM_001323987.1, NM_001323988.1 and 12 more transcripts); c.2540A>G, p.Gln847Arg (NM_001323982.2, NM_001323983.1, NM_001323984.2); c.2513A>G, p.Gln838Arg (NM_001323985.2); c.2447A>G, p.Gln816Arg (NM_001323986.2); c.1295A>G, p.Gln432Arg (NM_001324001.1); and 3 more; short protein forms Q432R, Q364R, Q477R, Q744R, Q816R, Q847R, Q446R, Q724R.
Identifiers: ClinVar variation 3498195 (VCV003498195.1).

ClinVar aggregate classification (germline): Uncertain significance (1 of 4 stars; one submission).

Conditions:
Hereditary cancer-predisposing syndrome. Also called: Tumor predisposition; Neoplastic Syndromes, Hereditary; Hereditary Cancer Syndrome; Hereditary neoplastic syndrome. Identifiers: Orphanet 140162, MedGen C0027672, MeSH D009386, MONDO:0015356.

Submission:

Ambry Genetics
Classification: Uncertain significance for Hereditary cancer-predisposing syndrome. Last evaluated: 2024-10-14. Review status: criteria provided, single submitter. Criteria: Ambry Variant Classification Scheme 2023. Collection method: clinical testing. Allele origin: germline.
Comment: The p.Q847R variant (also known as c.2540A>G), located in coding exon 17 of the CTNNA1 gene, results from an A to G substitution at nucleotide position 2540. The glutamine at codon 847 is replaced by arginine, an amino acid with highly similar properties. This amino acid position is conserved. In addition, this alteration is predicted to be tolerated by in silico analysis. Based on the available evidence, the clinical significance of this variant remains unclear.